The following is an entry in ClinVar:

NM_052947.4(ALPK2):c.3191C>T (p.Ala1064Val)

Gene: ALPK2 (alpha kinase 2; minus strand). Cytogenetic location: 18q21.31.
Variant type: single nucleotide variant.
Coding change: c.3191C>T on transcript NM_052947.4 (MANE Select); coding-DNA position 3191, C replaced by T.
Protein change: p.Ala1064Val; replaces alanine 1064 with valine.
Molecular consequence: missense variant.
Genome position (GRCh38, 1-based): chr18:58,536,996, G>A on the plus strand (C>T on the coding strand, the complement: ALPK2 is on the minus strand). VCF-style: chr18-58536996-G-A. GRCh37 (hg19) VCF-style: chr18-56204228-G-A.
Other names: short protein forms A1064V.
Identifiers: ClinVar variation 1728677 (VCV001728677.2), dbSNP rs1274100693, ClinGen allele CA402568906.
Genomic context (GRCh38, chr18:58,536,996, plus strand): 5'-TGTGGGACTCCTGGCACACTGGGTGCCCTGCAAAGTAGCTCTTTTGTAGATTTGATGGTA[G>A]CACCACTTAAAATATGATCCAACTGCACTTGGGAAGGAAATTGGGAAACCTTTTCATGGG-3'
Protein context (NP_443179.3, residues 1054-1074): QVQLDHILSG[Ala1064Val]TIKSTKELLC

ClinVar aggregate classification (germline): Uncertain significance (1 of 4 stars; one submission).

Allele frequency attached by ClinVar (database versions not stated): gnomAD exomes below 0.00001; TOPMed below 0.00001.
gnomAD v4.1: 1 of 1,614,172 alleles (0.000062%); highest among the groups gnomAD compares: Admixed American, 0.0017%; no homozygotes.

Submission:

Ambry Genetics
Classification: Uncertain significance. Last evaluated: 2022-08-13. Review status: criteria provided, single submitter. Criteria: Ambry Variant Classification Scheme 2023. Collection method: clinical testing. Allele origin: germline.
Comment: The p.A1064V variant (also known as c.3191C>T), located in coding exon 4 of the ALPK2 gene, results from a C to T substitution at nucleotide position 3191. The alanine at codon 1064 is replaced by valine, an amino acid with similar properties. This amino acid position is conserved. In addition, this alteration is predicted to be tolerated by in silico analysis. Since supporting evidence is limited at this time, the clinical significance of this alteration remains unclear.